The following is an entry in ClinVar:

ClinVar aggregate classification (germline): Uncertain significance. Review status: criteria provided, multiple submitters, no conflicts (2 of 4 stars). 5 submissions from 5 submitters: Uncertain significance (4). 1 of the submissions does not count toward it. Last evaluated 2026-04-06.

Conditions:
Leber congenital amaurosis 5 (LCA5). Also called: Amaurosis congenita of Leber, type 5. Identifiers: Orphanet 65, MedGen C1858301, MONDO:0011473, OMIM 604537.
Inborn genetic diseases. Identifiers: MedGen C0950123, MeSH D030342.

Allele frequency attached by ClinVar (database versions not stated): gnomAD exomes 0.00001 and 0.00002; ExAC 0.00002; gnomAD 0.00004; TOPMed 0.00006.
gnomAD v4.1: 14 of 1,613,626 alleles (0.00087%); highest among the groups gnomAD compares: African/African-American, 0.015%; no homozygotes.

Submissions (5):

Ambry Genetics
Classification: Uncertain significance for Inborn genetic diseases. Last evaluated: 2026-04-06. Review status: criteria provided, single submitter. Criteria: Ambry Variant Classification Scheme 2023. Collection method: clinical testing. Allele origin: germline.

Labcorp Genetics (formerly Invitae), Labcorp
Classification: Uncertain significance. Last evaluated: 2024-02-17. Review status: criteria provided, single submitter. Criteria: Invitae Variant Classification Sherloc (09022015). Collection method: clinical testing. Allele origin: germline.
Comment: This sequence change replaces leucine, which is neutral and non-polar, with phenylalanine, which is neutral and non-polar, at codon 171 of the LCA5 protein (p.Leu171Phe). This variant is present in population databases (rs745520623, gnomAD 0.02%). This variant has not been reported in the literature in individuals affected with LCA5-related conditions. ClinVar contains an entry for this variant (Variation ID: 811097). Advanced modeling of protein sequence and biophysical properties (such as structural, functional, and spatial information, amino acid conservation, physicochemical variation, residue mobility, and thermodynamic stability) performed at Invitae indicates that this missense variant is expected to disrupt LCA5 protein function with a positive predictive value of 80%. In summary, the available evidence is currently insufficient to determine the role of this variant in disease. Therefore, it has been classified as a Variant of Uncertain Significance.

Blueprint Genetics
Classification: Uncertain significance. Last evaluated: 2021-09-30. Review status: criteria provided, single submitter. Criteria: ACMG Guidelines, 2015. Collection method: clinical testing. Allele origin: germline.

ARUP Laboratories, Molecular Genetics and Genomics, ARUP Laboratories
Classification: Uncertain significance for Leber congenital amaurosis 5. Last evaluated: 2018-08-21. Review status: criteria provided, single submitter. Criteria: ARUP Molecular Germline Variant Investigation Process. Collection method: clinical testing. Allele origin: germline.
Comment: The LCA5 c.511C>T; p.Leu171Phe variant (rs745520623), to our knowledge, is not reported in the medical literature or in gene-specific databases. This variant is found in the African population with an overall allele frequency of 0.02% (6/24024 alleles) in the Genome Aggregation Database. The leucine at codon 171 is moderately conserved and computational analyses (SIFT: Tolerated, PolyPhen-2: Probably Damaging) predict conflicting effects of this variant on protein structure/function. Considering available information, the clinical significance of this variant cannot be determined with certainty. Pathogenic LCA5 variants are causative for autosomal recessive Leber Congenital Amaurosis (MIM: 604537).

Natera, Inc.
Classification: Uncertain significance for Leber congenital amaurosis type 5. Last evaluated: 2020-11-06. Review status: no assertion criteria provided. Collection method: clinical testing. Allele origin: germline. Not counted in ClinVar's aggregate classification.

NM_001122769.3(LCA5):c.511C>T (p.Leu171Phe)

Gene: LCA5 (lebercilin LCA5; minus strand). Cytogenetic location: 6q14.1.
Variant type: single nucleotide variant.
Coding change: c.511C>T on transcript NM_001122769.3 (MANE Select); coding-DNA position 511, C replaced by T.
Protein change: p.Leu171Phe; replaces leucine 171 with phenylalanine.
Molecular consequence: missense variant.
Genome position (GRCh38, 1-based): chr6:79,513,421, G>A on the plus strand (C>T on the coding strand, the complement: LCA5 is on the minus strand). VCF-style: chr6-79513421-G-A. GRCh37 (hg19) VCF-style: chr6-80223138-G-A.
Other names: c.511C>T (NM_181714.3); c.511C>T, p.Leu171Phe (NM_181714.4); short protein forms L171F.
Identifiers: ClinVar variation 811097 (VCV000811097.18), dbSNP rs745520623, ClinGen allele CA3901106.